The following is an entry in ClinVar:

NM_000937.5(POLR2A):c.2292= (p.Asn764=)

Gene: POLR2A (RNA polymerase II subunit A; plus strand). Cytogenetic location: 17p13.1.
Variant type: Variation.
Coding change: c.2292= on transcript NM_000937.5 (MANE Select); coding-DNA position 2292, no change from the reference sequence.
Protein change: p.Asn764=; no amino-acid change (asparagine 764 retained).
Molecular consequence: no sequence alteration.
Genome position: GRCh38 VCF-style: chr17-7501672-T-T. GRCh37 (hg19) VCF-style: chr17-7404991-T-T.
Identifiers: ClinVar variation 690429 (VCV000690429.3).

ClinVar aggregate classification (germline): drug response (1 of 4 stars; one submission).

Conditions:
Gemcitabine response. Also called: Gemzar response. Identifiers: MedGen CN188728.

Submission:

Bioinformatics Institute, Agency for Science, Technology and Research
Classification: drug response for Gemcitabine response. Last evaluated: 2017-01-01. Review status: criteria provided, single submitter. Criteria: Limviphuvadh et al. (BMC Cancer 2018). Collection method: research. Allele origin: germline. Affected: yes.
Comment: POLR2A N764K is correlated with gemcitabine cytotoxicity in a Singaporean NSCLC patient cohort treated with gemcitabine-based chemotherapy